The following is an entry in ClinVar:

NM_002764.4(PRPS1):c.769G>A (p.Ala257Thr)

Gene: PRPS1 (phosphoribosyl pyrophosphate synthetase 1; plus strand). Cytogenetic location: Xq22.3.
Variant type: single nucleotide variant.
Coding change: c.769G>A on transcript NM_002764.4 (MANE Select); coding-DNA position 769, G replaced by A.
Protein change: p.Ala257Thr; replaces alanine 257 with threonine.
Molecular consequence: missense variant.
Genome position (GRCh38, 1-based): chrX:107,647,670, G>A. VCF-style: chrX-107647670-G-A. GRCh37 (hg19) VCF-style: chrX-106890900-G-A.
Other names: c.157G>A, p.Ala53Thr (NM_001204402.2); short protein forms A53T, A257T.
Identifiers: ClinVar variation 1418658 (VCV001418658.8), dbSNP rs2147686040, ClinGen allele CA413814594.

ClinVar aggregate classification (germline): Uncertain significance (1 of 4 stars; one submission).

Conditions:
Charcot-Marie-Tooth Neuropathy X. Identifiers: MedGen CN118851.

Submission:

Labcorp Genetics (formerly Invitae), Labcorp
Classification: Uncertain significance for Charcot-Marie-Tooth Neuropathy X. Last evaluated: 2025-07-29. Review status: criteria provided, single submitter. Criteria: Invitae Variant Classification Sherloc (09022015). Collection method: clinical testing. Allele origin: germline.
Comment: This sequence change replaces alanine, which is neutral and non-polar, with threonine, which is neutral and polar, at codon 257 of the PRPS1 protein (p.Ala257Thr). This variant is not present in population databases (gnomAD no frequency). This variant has not been reported in the literature in individuals affected with PRPS1-related conditions. ClinVar contains an entry for this variant (Variation ID: 1418658). Invitae Evidence Modeling of protein sequence and biophysical properties (such as structural, functional, and spatial information, amino acid conservation, physicochemical variation, residue mobility, and thermodynamic stability) indicates that this missense variant is not expected to disrupt PRPS1 protein function with a negative predictive value of 80%. In summary, the available evidence is currently insufficient to determine the role of this variant in disease. Therefore, it has been classified as a Variant of Uncertain Significance.